The following is an entry in ClinVar:

ClinVar aggregate classification (germline): Uncertain significance (1 of 4 stars; one submission).

gnomAD v4.1: 4 of 1,604,914 alleles (0.00025%); highest among the groups gnomAD compares: Middle Eastern, 0.017%; no homozygotes.

Submission:

Labcorp Genetics (formerly Invitae), Labcorp
Classification: Uncertain significance. Last evaluated: 2024-12-27. Review status: criteria provided, single submitter. Criteria: Invitae Variant Classification Sherloc (09022015). Collection method: clinical testing. Allele origin: germline.
Comment: This sequence change replaces glutamine, which is neutral and polar, with arginine, which is basic and polar, at codon 819 of the WFS1 protein (p.Gln819Arg). This variant is not present in population databases (gnomAD no frequency). This variant has not been reported in the literature in individuals affected with WFS1-related conditions. Invitae Evidence Modeling of protein sequence and biophysical properties (such as structural, functional, and spatial information, amino acid conservation, physicochemical variation, residue mobility, and thermodynamic stability) indicates that this missense variant is not expected to disrupt WFS1 protein function with a negative predictive value of 95%. In summary, the available evidence is currently insufficient to determine the role of this variant in disease. Therefore, it has been classified as a Variant of Uncertain Significance.

NM_006005.3(WFS1):c.2456A>G (p.Gln819Arg)

Gene: WFS1 (wolframin ER transmembrane glycoprotein; plus strand). Cytogenetic location: 4p16.1.
Variant type: single nucleotide variant.
Coding change: c.2456A>G on transcript NM_006005.3 (MANE Select); coding-DNA position 2456, A replaced by G.
Protein change: p.Gln819Arg; replaces glutamine 819 with arginine.
Molecular consequence: missense variant.
Genome position (GRCh38, 1-based): chr4:6,302,251, A>G. VCF-style: chr4-6302251-A-G. GRCh37 (hg19) VCF-style: chr4-6303978-A-G.
Other names: c.2456A>G, p.Gln819Arg (NM_001145853.1); short protein forms Q819R.
Identifiers: ClinVar variation 3708400 (VCV003708400.2).